The following is an entry in ClinVar:

NM_004453.4(ETFDH):c.680C>A (p.Pro227Gln)

Gene: ETFDH (electron transfer flavoprotein dehydrogenase; plus strand). Cytogenetic location: 4q32.1.
Variant type: single nucleotide variant.
Coding change: c.680C>A on transcript NM_004453.4 (MANE Select); coding-DNA position 680, C replaced by A.
Protein change: p.Pro227Gln; replaces proline 227 with glutamine.
Molecular consequence: missense variant.
Genome position (GRCh38, 1-based): chr4:158,690,421, C>A. VCF-style: chr4-158690421-C-A. GRCh37 (hg19) VCF-style: chr4-159611573-C-A.
Other names: c.539C>A, p.Pro180Gln (NM_001281737.2); c.497C>A, p.Pro166Gln (NM_001281738.1); short protein forms P166Q, P180Q, P227Q.
Identifiers: ClinVar variation 4537279 (VCV004537279.1).

ClinVar aggregate classification (germline): Uncertain significance (1 of 4 stars; one submission).

Submission:

Women's Health and Genetics/Laboratory Corporation of America, LabCorp
Classification: Uncertain significance. Last evaluated: 2025-11-20. Review status: criteria provided, single submitter. Criteria: LabCorp Variant Classification Summary - May 2015. Collection method: clinical testing. Allele origin: germline.
Comment: Variant summary: ETFDH c.680C>A (p.Pro227Gln) results in a non-conservative amino acid change in the encoded protein sequence. Algorithms developed to predict the effect of missense changes on protein structure and function all suggest that this variant is likely to be disruptive. The variant was absent in 251428 control chromosomes. The available data on variant occurrences in the general population are insufficient to allow any conclusion about variant significance. To our knowledge, no occurrence of c.680C>A in individuals affected with ETFDH-related conditions and no experimental evidence demonstrating its impact on protein function have been reported. No submitters have cited clinical-significance assessments for this variant to ClinVar. Based on the evidence outlined above, the variant was classified as uncertain significance.